The following is an entry in ClinVar:

NM_001289080.2(CNTN6):c.339G>A (p.Lys113=)

Gene: CNTN6 (contactin 6; plus strand). Cytogenetic location: 3p26.3.
Variant type: single nucleotide variant.
Coding change: c.339G>A on transcript NM_001289080.2 (MANE Select); coding-DNA position 339, G replaced by A.
Protein change: p.Lys113=; no amino-acid change (lysine 113 retained).
Molecular consequence: synonymous variant. On other transcripts: 5 prime UTR variant (4).
Genome position (GRCh38, 1-based): chr3:1,227,974, G>A. VCF-style: chr3-1227974-G-A. GRCh37 (hg19) VCF-style: chr3-1269658-G-A.
Other names: c.123G>A, p.Lys41= (NM_001289081.2); c.339G>A, p.Lys113= (NM_001349350.2, NM_001349351.2, NM_001349352.2 and 7 more transcripts); c.-599G>A (NM_001349359.2); c.-477G>A (NM_001349360.2); c.-779G>A (NM_001349361.2); c.-681G>A (NM_001349362.2).
Identifiers: ClinVar variation 774840 (VCV000774840.21), dbSNP rs141581143, ClinGen allele CA2225716.
Genomic context (GRCh38, chr3:1,227,974, plus strand): 5'-AGATATTGGCATGTACCAGTGCCTGGCCACCAATCTTCTGGGGACAATTCTGAGTCGGAA[G>A]GCAAAGCTCCAATTTGCATGTGAGTTTGGGGTAAATTTTGTAATCTTTGTCTCTGAAAAT-3'
Protein context (NP_001276009.1, residues 103-123): TNLLGTILSR[Lys113=]AKLQFAYIED

ClinVar aggregate classification (germline): Benign/Likely benign. Review status: criteria provided, multiple submitters, no conflicts (2 of 4 stars). 3 submissions from 3 submitters: Benign (2); Likely benign (1). Last evaluated 2024-07-01.

Allele frequency attached by ClinVar (database versions not stated): 1000 Genomes Project 30x 0.00250; 1000 Genomes Project 0.00260; ExAC 0.00293; gnomAD exomes 0.00305; gnomAD 0.00470 and 0.00496; TOPMed 0.00489; ESP Exome Variant Server 0.00584.
gnomAD v4.1: 7,766 of 1,613,192 alleles (0.48%); highest among the groups gnomAD compares: African/African-American, 0.67%; 29 homozygotes.

Submissions (3):

CeGaT Center for Human Genetics Tuebingen
Classification: Likely benign. Last evaluated: 2024-07-01. Review status: criteria provided, single submitter. Criteria: CeGaT Center For Human Genetics Tuebingen Variant Classification Criteria Version 2. Collection method: clinical testing. Allele origin: germline. Affected: yes. Observed: 1 variant allele.
Comment: CNTN6: BP4, BP7, BS2

Labcorp Genetics (formerly Invitae), Labcorp
Classification: Benign. Last evaluated: 2018-08-22. Review status: criteria provided, single submitter. Criteria: Invitae Variant Classification Sherloc (09022015). Collection method: clinical testing. Allele origin: germline.

Breakthrough Genomics
Classification: Benign. Review status: criteria provided, single submitter. Criteria: ACMG Guidelines, 2015. Collection method: not provided. Allele origin: germline. Inheritance: Unknown mechanism. Affected: yes.